The following is an entry in ClinVar:

NM_212482.4(FN1):c.2537C>T (p.Ser846Leu)

Gene: FN1 (fibronectin 1; minus strand). Cytogenetic location: 2q35.
Variant type: single nucleotide variant.
Coding change: c.2537C>T on transcript NM_212482.4 (MANE Select); coding-DNA position 2537, C replaced by T.
Protein change: p.Ser846Leu; replaces serine 846 with leucine.
Molecular consequence: missense variant.
Genome position (GRCh38, 1-based): chr2:215,407,303, G>A on the plus strand (C>T on the coding strand, the complement: FN1 is on the minus strand). VCF-style: chr2-215407303-G-A. GRCh37 (hg19) VCF-style: chr2-216272026-G-A.
Other names: c.2537C>T, p.Ser846Leu (NM_001306129.2, NM_001306130.2, NM_001306131.2 and 13 more transcripts); short protein forms S846L.
Identifiers: ClinVar variation 2191060 (VCV002191060.4), dbSNP rs766368939, ClinGen allele CA2094933.

ClinVar aggregate classification (germline): Uncertain significance (1 of 4 stars; one submission).

Allele frequency attached by ClinVar (database versions not stated): ExAC 0.00001; gnomAD exomes 0.00001; TOPMed 0.00001.
gnomAD v4.1: 9 of 1,614,018 alleles (0.00056%); highest among the groups gnomAD compares: East Asian, 0.0022%; no homozygotes.

Submission:

Labcorp Genetics (formerly Invitae), Labcorp
Classification: Uncertain significance. Last evaluated: 2022-05-20. Review status: criteria provided, single submitter. Criteria: Invitae Variant Classification Sherloc (09022015). Collection method: clinical testing. Allele origin: germline.
Comment: In summary, the available evidence is currently insufficient to determine the role of this variant in disease. Therefore, it has been classified as a Variant of Uncertain Significance. Algorithms developed to predict the effect of missense changes on protein structure and function are either unavailable or do not agree on the potential impact of this missense change (SIFT: "Not Available"; PolyPhen-2: "Benign"; Align-GVGD: "Not Available"). This variant has not been reported in the literature in individuals affected with FN1-related conditions. This variant is present in population databases (rs766368939, gnomAD 0.0009%). This sequence change replaces serine, which is neutral and polar, with leucine, which is neutral and non-polar, at codon 846 of the FN1 protein (p.Ser846Leu).